The following is an entry in ClinVar:

ClinVar aggregate classification (germline): Likely benign. Review status: reviewed by expert panel (3 of 4 stars). 6 submissions from 6 submitters: Likely benign (1). 5 of the submissions do not count toward it. Last evaluated 2024-08-27.

Conditions:
Actin accumulation myopathy (CMYO2A). Also called: CONGENITAL MYOPATHY 2A, TYPICAL, AUTOSOMAL DOMINANT; Nemaline myopathy type 3; Myopathy, actin, congenital, with excess of thin myofilaments; Myopathy, actin, congenital, with cores; Nemaline myopathy 3, with intranuclear rods. Identifiers: Orphanet 98904, MedGen C3711389, MONDO:0008070, OMIM 161800.
Alpha-actinopathy. Also called: Actinopathy. Identifiers: MedGen CN295279, MONDO:0100084.

Allele frequency attached by ClinVar (database versions not stated): ExAC 0.00001; gnomAD exomes 0.00002.

Submissions (6):

ClinGen Congenital Myopathies Variant Curation Expert Panel, ClinGen
Classification: Likely benign for Alpha-actinopathy. Last evaluated: 2024-08-27. Review status: reviewed by expert panel. Criteria: ClinGen CongenMyopathy ACMG Specifications ACTA1_AD_ V2.0.0. Collection method: curation. Allele origin: germline. Inheritance: Autosomal dominant inheritance.
Comment: The variant NM_001100.4:c.1104C>T in ACTA1 is a synonymous (silent) variant (p.Gly368=). The highest population filtering allele frequency in gnomAD v4.1.0 is 0.000006150 (13/1180024) in the European (non-Finnish) population(no population codes met). However, SpliceAI predicted no impact on splicing, meeting BP4/BP7 criteria. In summary, the variant meets criteria to be classified as likely benign for autosomal dominant alpha-actinopathy. ACMG/AMP criteria met, as specified by the congenital myopathies VCEP: BP4, BP7 (ClinGen Congenital Myopathies VCEP specifications version 2; 08/27/2024).

Labcorp Genetics (formerly Invitae), Labcorp
Classification: Likely benign for Actin accumulation myopathy. Last evaluated: 2025-08-08. Review status: criteria provided, single submitter. Criteria: Invitae Variant Classification Sherloc (09022015). Collection method: clinical testing. Allele origin: germline. Not counted in ClinVar's aggregate classification.

Women's Health and Genetics/Laboratory Corporation of America, LabCorp
Classification: Likely benign. Last evaluated: 2025-07-02. Review status: criteria provided, single submitter. Criteria: LabCorp Variant Classification Summary - May 2015. Collection method: clinical testing. Allele origin: germline. Not counted in ClinVar's aggregate classification.

Blueprint Genetics
Classification: Likely benign. Last evaluated: 2024-05-07. Review status: criteria provided, single submitter. Criteria: ACMG Guidelines, 2015. Collection method: clinical testing. Allele origin: germline. Not counted in ClinVar's aggregate classification.

GeneDx
Classification: Likely benign. Last evaluated: 2021-04-27. Review status: criteria provided, single submitter. Criteria: GeneDx Variant Classification Process June 2021. Collection method: clinical testing. Allele origin: germline. Affected: yes. Not counted in ClinVar's aggregate classification.

Genetic Services Laboratory, University of Chicago
Classification: Likely benign. Last evaluated: 2017-07-27. Review status: criteria provided, single submitter. Criteria: ACMG Guidelines, 2015. Collection method: clinical testing. Allele origin: germline. Affected: no. Not counted in ClinVar's aggregate classification.

NM_001100.4(ACTA1):c.1104C>T (p.Gly368=)

Gene: ACTA1 (actin alpha 1, skeletal muscle; minus strand). Cytogenetic location: 1q42.13.
Variant type: single nucleotide variant.
Coding change: c.1104C>T on transcript NM_001100.4 (MANE Select); coding-DNA position 1104, C replaced by T.
Protein change: p.Gly368=; no amino-acid change (glycine 368 retained).
Molecular consequence: synonymous variant.
Genome position (GRCh38, 1-based): chr1:229,431,529, G>A on the plus strand (C>T on the coding strand, the complement: ACTA1 is on the minus strand). VCF-style: chr1-229431529-G-A. GRCh37 (hg19) VCF-style: chr1-229567276-G-A.
Other names: NM_001100.4(ACTA1):c.1104C>T; p.Gly368=.
Identifiers: ClinVar variation 381474 (VCV000381474.12), dbSNP rs755448851, ClinGen allele CA1442705.